The following is an entry in ClinVar:

NM_000222.3(KIT):c.1675G>T (p.Val559Phe)

Gene: KIT (KIT proto-oncogene, receptor tyrosine kinase; plus strand). Cytogenetic location: 4q12.
Variant type: single nucleotide variant.
Coding change: c.1675G>T on transcript NM_000222.3 (MANE Select); coding-DNA position 1675, G replaced by T.
Protein change: p.Val559Phe; replaces valine 559 with phenylalanine.
Molecular consequence: missense variant.
Genome position (GRCh38, 1-based): chr4:54,727,443, G>T. VCF-style: chr4-54727443-G-T. GRCh37 (hg19) VCF-style: chr4-55593609-G-T.
Other names: c.1663G>T, p.Val555Phe (NM_001093772.2, NM_001385286.1); c.1678G>T, p.Val560Phe (NM_001385284.1, NM_001385290.1); c.1675G>T, p.Val559Phe (NM_001385285.1); c.1666G>T, p.Val556Phe (NM_001385288.1, NM_001385292.1); short protein forms V559F, V555F, V556F, V560F.
Identifiers: ClinVar variation 955935 (VCV000955935.10), dbSNP rs121913520, ClinGen allele CA356907472.

ClinVar aggregate classification (germline): Uncertain significance. Review status: criteria provided, multiple submitters, no conflicts (2 of 4 stars). 2 submissions from 2 submitters: Uncertain significance (2). Last evaluated 2025-11-22.
ClinVar aggregate classification (oncogenicity): Uncertain significance (0 of 4 stars; one submission).

Conditions:
Hereditary cancer-predisposing syndrome. Also called: Hereditary neoplastic syndrome; Neoplastic Syndromes, Hereditary; Hereditary Cancer Syndrome; Tumor predisposition. Identifiers: Orphanet 140162, MedGen C0027672, MeSH D009386, MONDO:0015356.
Gastrointestinal stromal tumor. Also called: Gastrointestinal stromal tumor, somatic; Gastrointestinal stroma tumor. Identifiers: Orphanet 44890, MedGen C0238198, MeSH D046152, MONDO:0011719, OMIM 606764, HP:0100723.

Allele frequency attached by ClinVar (database versions not stated): gnomAD exomes below 0.00001.
gnomAD v4.1: 1 of 1,614,128 alleles (0.000062%); highest among the groups gnomAD compares: Non-Finnish European, 0.000085%; no homozygotes.

Submissions (3):

Labcorp Genetics (formerly Invitae), Labcorp
Classification: Uncertain significance for Gastrointestinal stromal tumor. Last evaluated: 2025-11-22. Review status: criteria provided, single submitter. Criteria: Invitae Variant Classification Sherloc (09022015). Collection method: clinical testing. Allele origin: germline.
Comment: This sequence change replaces valine, which is neutral and non-polar, with phenylalanine, which is neutral and non-polar, at codon 559 of the KIT protein (p.Val559Phe). This variant is not present in population databases (gnomAD no frequency). This variant has not been reported in the literature in individuals affected with KIT-related conditions. ClinVar contains an entry for this variant (Variation ID: 955935). An algorithm developed to predict the effect of missense changes on protein structure and function (PolyPhen-2) suggests that this variant is likely to be disruptive. This variant disrupts the p.Val559 amino acid residue in KIT. Other variant(s) that disrupt this residue have been determined to be pathogenic (PMID: 11208730, 11505412, 15837988, 24847623). This suggests that this residue is clinically significant, and that variants that disrupt this residue are likely to be disease-causing. In summary, the available evidence is currently insufficient to determine the role of this variant in disease. Therefore, it has been classified as a Variant of Uncertain Significance.

Ambry Genetics
Classification: Uncertain significance for Hereditary cancer-predisposing syndrome. Last evaluated: 2024-08-21. Review status: criteria provided, single submitter. Criteria: Ambry Variant Classification Scheme 2023. Collection method: clinical testing. Allele origin: germline.
Comment: The p.V559F variant (also known as c.1675G>T), located in coding exon 11 of the KIT gene, results from a G to T substitution at nucleotide position 1675. The valine at codon 559 is replaced by phenylalanine, an amino acid with highly similar properties. This amino acid position is highly conserved in available vertebrate species. In addition, this alteration is predicted to be deleterious by in silico analysis. Based on the available evidence, the clinical significance of this variant remains unclear.

National Institute of Cancer Research, National Health Research Institutes
Classification: Uncertain significance for Gastrointestinal stromal tumor. Review status: no assertion criteria provided. Collection method: research. Allele origin: somatic. Observed: 1 variant allele.
Comment: clinical data

Literature cited by the submitters: PubMed 11208730 (cited by Labcorp Genetics (formerly Invitae), Labcorp); PubMed 11505412 (cited by Labcorp Genetics (formerly Invitae), Labcorp); PubMed 15837988 (cited by Labcorp Genetics (formerly Invitae), Labcorp); PubMed 24847623 (cited by Labcorp Genetics (formerly Invitae), Labcorp).